The following is an entry in ClinVar:

NM_016734.3(PAX5):c.1129C>T (p.Arg377Ter)

Gene: PAX5 (paired box 5; minus strand). Cytogenetic location: 9p13.2.
Variant type: single nucleotide variant.
Coding change: c.1129C>T on transcript NM_016734.3 (MANE Select); coding-DNA position 1129, C replaced by T.
Protein change: p.Arg377Ter; replaces arginine 377 with a stop codon.
Molecular consequence: nonsense. On other transcripts: synonymous variant (2), non-coding transcript variant (2).
Genome position (GRCh38, 1-based): chr9:36,840,607, G>A on the plus strand (C>T on the coding strand, the complement: PAX5 is on the minus strand). VCF-style: chr9-36840607-G-A. GRCh37 (hg19) VCF-style: chr9-36840604-G-A.
Other names: c.1027C>T, p.Arg343Ter (NM_001280547.2); c.1042C>T, p.Arg348Ter (NM_001280548.2); c.897C>T, p.Pro299= (NM_001280549.2); c.810C>T, p.Pro270= (NM_001280550.2); c.616C>T, p.Arg206Ter (NM_001280551.2); c.940C>T, p.Arg314Ter (NM_001280552.2); c.913C>T, p.Arg305Ter (NM_001280553.2); c.1000C>T, p.Arg334Ter (NM_001280554.2); and 3 more; short protein forms R206*, R269*, R277*, R305*, R314*, R334*, R343*, R348*.
Identifiers: ClinVar variation 1210155 (VCV001210155.2), dbSNP rs377685637, ClinGen allele CA373485777.

ClinVar aggregate classification (germline): Uncertain significance. Review status: criteria provided, single submitter (1 of 4 stars). 2 submissions from 2 submitters: Uncertain significance (1). 1 of the submissions does not count toward it. Last evaluated 2022-10-11.

Conditions:
Neurodevelopmental disorder. Identifiers: MedGen C1535926, MeSH D065886, MONDO:0700092.

gnomAD v4.1: 2 of 1,579,220 alleles (0.00013%); highest among the groups gnomAD compares: Admixed American, 0.0019%; no homozygotes.

Submissions (2):

GeneDx
Classification: Uncertain significance. Last evaluated: 2022-10-11. Review status: criteria provided, single submitter. Criteria: GeneDx Variant Classification Process June 2021. Collection method: clinical testing. Allele origin: germline. Affected: yes.
Comment: Identified in an individual with developmental delay, intellectual disability, and autism spectrum disorder; however, familial segregation information is unknown (Gofin et al., 2022); Nonsense variant predicted to result in protein truncation as the last 15 amino acids are lost, although loss-of-function variants have not been reported downstream of this position in the protein; Not observed at significant frequency in large population cohorts (gnomAD); This variant is associated with the following publications: (PMID: 35094443)

Daryl Scott Lab, Baylor College of Medicine
Classification: Pathogenic for Neurodevelopmental disorder. Last evaluated: 2021-08-23. Review status: no assertion criteria provided. Collection method: clinical testing. Allele origin: unknown. Affected: yes. Observed: 2 variant alleles. Not counted in ClinVar's aggregate classification.

Literature cited by the submitters: PubMed 35094443 (cited by Daryl Scott Lab, Baylor College of Medicine).